The following is an entry in ClinVar:

NM_032790.4(ORAI1):c.85_99dup (p.Arg33_Ser34insArgSerArgArgArg)

Genes: ORAI1 (ORAI calcium release-activated calcium modulator 1; plus strand), LOC130008987 (ATAC-STARR-seq lymphoblastoid silent region 4981; plus strand). Cytogenetic location: 12q24.31.
Variant type: Duplication.
Coding change: c.85_99dup on transcript NM_032790.4 (MANE Select); coding-DNA positions 85 to 99, 15 bases duplicated (CGGAGCCGCCGCCGC).
Protein change: p.Arg33_Ser34insArgSerArgArgArg.
Genome position (GRCh38, 1-based): chr12:121,626,827-121,626,841, CGGAGCCGCCGCCGC duplicated; duplicating any 15 consecutive bases within chr12:121,626,822-121,626,841 gives the same sequence; the c. name uses the placement nearest the transcript's 3' end. VCF-style (leftmost placement, unchanged base first): chr12-121626821-A-AGCCGCCGGAGCCGCC. GRCh37 (hg19) VCF-style: chr12-122064726-A-AGCCGCCGGAGCCGCC.
Other names: p.Arg29_Arg33dup.
Identifiers: ClinVar variation 541943 (VCV000541943.13), dbSNP rs1372064351, ClinGen allele CA482166959.

ClinVar aggregate classification (germline): Uncertain significance. Review status: criteria provided, multiple submitters, no conflicts (2 of 4 stars). 3 submissions from 3 submitters: Uncertain significance (3). Last evaluated 2026-01-18.

Conditions:
Combined immunodeficiency due to ORAI1 deficiency. Also called: IMMUNODEFICIENCY 9. Identifiers: Orphanet 169090, Orphanet 317428, MedGen C2748568, MONDO:0013007, OMIM 612782.
Myopathy, tubular aggregate, 2 (TAM2). Identifiers: MedGen C4014557, MONDO:0014383, OMIM 615883.

Submissions (3):

Labcorp Genetics (formerly Invitae), Labcorp
Classification: Uncertain significance for Myopathy, tubular aggregate, 2; Combined immunodeficiency due to ORAI1 deficiency. Last evaluated: 2026-01-18. Review status: criteria provided, single submitter. Criteria: Invitae Variant Classification Sherloc (09022015). Collection method: clinical testing. Allele origin: germline.
Comment: This variant, c.85_99dup, results in the insertion of 5 amino acid(s) of the ORAI1 protein (p.Arg29_Arg33dup), but otherwise preserves the integrity of the reading frame. This variant is present in population databases (no rsID available, gnomAD 0.1%). This variant has not been reported in the literature in individuals affected with ORAI1-related conditions. ClinVar contains an entry for this variant (Variation ID: 541943). Experimental studies and prediction algorithms are not available or were not evaluated, and the functional significance of this variant is currently unknown. In summary, the available evidence is currently insufficient to determine the role of this variant in disease. Therefore, it has been classified as a Variant of Uncertain Significance.

Mayo Clinic Laboratories, Mayo Clinic
Classification: Uncertain significance. Last evaluated: 2023-09-27. Review status: criteria provided, single submitter. Criteria: ACMG Guidelines, 2015. Collection method: clinical testing. Allele origin: germline. Observed: 1 variant allele.
Comment: PM4

Revvity Omics, Revvity
Classification: Uncertain significance. Last evaluated: 2023-05-18. Review status: criteria provided, single submitter. Criteria: ACMG Guidelines, 2015. Collection method: clinical testing. Allele origin: germline.